The following is an entry in ClinVar:

NM_001386298.1(CIC):c.5798G>A (p.Ser1933Asn)

Gene: CIC (capicua transcriptional repressor; plus strand). Cytogenetic location: 19q13.2.
Variant type: single nucleotide variant.
Coding change: c.5798G>A on transcript NM_001386298.1 (MANE Select); coding-DNA position 5798, G replaced by A.
Protein change: p.Ser1933Asn; replaces serine 1933 with asparagine.
Molecular consequence: missense variant.
Genome position (GRCh38, 1-based): chr19:42,292,362, G>A. VCF-style: chr19-42292362-G-A. GRCh37 (hg19) VCF-style: chr19-42796514-G-A.
Other names: c.5798G>A, p.Ser1933Asn (NM_001304815.2, NM_001379480.1, NM_001379482.1 and 1 more transcripts); c.3071G>A, p.Ser1024Asn (NM_001379484.1, NM_001379485.1, NM_015125.5); c.3071G>A (NM_015125.3); short protein forms S1024N, S1933N.
Identifiers: ClinVar variation 3030398 (VCV003030398.3), dbSNP rs376118095, ClinGen allele CA9472507.

ClinVar aggregate classification (germline): Uncertain significance. Review status: criteria provided, single submitter (1 of 4 stars). 2 submissions from 2 submitters: Uncertain significance (1). 1 of the submissions does not count toward it. Last evaluated 2025-08-31.

Conditions:
CIC-related disorder. Also called: CIC-related condition.
Inborn genetic diseases. Identifiers: MedGen C0950123, MeSH D030342.

Allele frequency attached by ClinVar (database versions not stated): TOPMed 0.00005; ESP Exome Variant Server 0.00008.
gnomAD v4.1: 9 of 1,612,802 alleles (0.00056%); highest among the groups gnomAD compares: African/African-American, 0.0093%; no homozygotes.

Submissions (2):

Ambry Genetics
Classification: Uncertain significance for Inborn genetic diseases. Last evaluated: 2025-08-31. Review status: criteria provided, single submitter. Criteria: Ambry Variant Classification Scheme 2023. Collection method: clinical testing. Allele origin: germline.

PreventionGenetics, part of Exact Sciences
Classification: Uncertain significance for CIC-related condition. Last evaluated: 2024-01-04. Review status: no assertion criteria provided. Collection method: clinical testing. Allele origin: germline. Not counted in ClinVar's aggregate classification.
Comment: The CIC c.3071G>A variant is predicted to result in the amino acid substitution p.Ser1024Asn. To our knowledge, this variant has not been reported in the literature. This variant is reported in 0.012% of alleles in individuals of African descent in gnomAD. Although we suspect that this variant may be benign, at this time, the clinical significance of this variant is uncertain due to the absence of conclusive functional and genetic evidence.